The following is an entry in ClinVar:

NM_001378454.1(ALMS1):c.3557_3564del (p.Arg1186fs)

Gene: ALMS1 (ALMS1 centrosome and basal body associated protein; plus strand). Cytogenetic location: 2p13.1.
Variant type: Deletion.
Coding change: c.3557_3564del on transcript NM_001378454.1 (MANE Select); coding-DNA positions 3557 to 3564, 8 bases deleted (GAGTACTT; older notation c.3557_3564delGAGTACTT).
Protein change: p.Arg1186fs; shifts the reading frame from arginine 1186.
Molecular consequence: frameshift variant.
Genome position (GRCh38, 1-based): chr2:73,450,084-73,450,091, GAGTACTT deleted. VCF-style (leftmost placement, unchanged base first): chr2-73450083-AGAGTACTT-A. GRCh37 (hg19) VCF-style: chr2-73677210-AGAGTACTT-A.
Other names: c.3560_3567del, p.Arg1187fs (NM_015120.4); short protein forms R1186fs, R1187fs.
Identifiers: ClinVar variation 1438369 (VCV001438369.6), dbSNP rs2103779399, ClinGen allele CA2573135764.

ClinVar aggregate classification (germline): Pathogenic (1 of 4 stars; one submission).

Conditions:
Alstrom syndrome (ALMS). Identifiers: Orphanet 64, MedGen C0268425, MONDO:0008763, OMIM 203800.

Submission:

Labcorp Genetics (formerly Invitae), Labcorp
Classification: Pathogenic for Alstrom syndrome. Last evaluated: 2021-04-30. Review status: criteria provided, single submitter. Criteria: Invitae Variant Classification Sherloc (09022015). Collection method: clinical testing. Allele origin: germline.
Comment: This variant is not present in population databases (ExAC no frequency). This sequence change creates a premature translational stop signal (p.Arg1187Ilefs*21) in the ALMS1 gene. It is expected to result in an absent or disrupted protein product. Loss-of-function variants in ALMS1 are known to be pathogenic (PMID: 17594715). This variant has not been reported in the literature in individuals with ALMS1-related conditions. For these reasons, this variant has been classified as Pathogenic.

Literature cited by the submitters: PubMed 17594715.